The following is an entry in ClinVar:

NM_005912.3(MC4R):c.906T>G (p.Tyr302Ter)

Gene: MC4R (melanocortin 4 receptor; minus strand). Cytogenetic location: 18q21.32.
Variant type: single nucleotide variant.
Coding change: c.906T>G on transcript NM_005912.3 (MANE Select); coding-DNA position 906, T replaced by G.
Protein change: p.Tyr302Ter; replaces tyrosine 302 with a stop codon.
Molecular consequence: nonsense.
Genome position (GRCh38, 1-based): chr18:60,371,444, A>C on the plus strand (T>G on the coding strand, the complement: MC4R is on the minus strand). VCF-style: chr18-60371444-A-C. GRCh37 (hg19) VCF-style: chr18-58038677-A-C.
Other names: short protein forms Y302*.
Identifiers: ClinVar variation 3076076 (VCV003076076.1), dbSNP rs767325252, ClinGen allele CA8980814.

ClinVar aggregate classification (germline): Likely pathogenic (1 of 4 stars; one submission).

Conditions:
Obesity due to melanocortin 4 receptor deficiency. Identifiers: Orphanet 71529, MedGen C4273958, MONDO:0019115.

Allele frequency attached by ClinVar (database versions not stated): ExAC 0.00001.

Submission:

Laboratory for Molecular Medicine, Mass General Brigham Personalized Medicine
Classification: Likely pathogenic for Obesity due to melanocortin 4 receptor deficiency. Last evaluated: 2018-09-19. Review status: criteria provided, single submitter. Criteria: ACMG Guidelines, 2015. Collection method: clinical testing. Allele origin: germline. Inheritance: Autosomal dominant inheritance.
Comment: The p.Tyr302X variant in MC4R has not been previously reported in individuals with obesity, but has been identified in 1/30782 South Asian chromosomes by the Genome Aggregation Database (gnomAD). This nonsense variant leads to a premature termination codon at position 302. The MC4R protein is encoded by a single exon; therefore, this alteration is more likely to escape nonsense mediated decay (NMD), resulting in a truncated protein that is missing the c-terminal tail. The c-terminal tail contains a peptide signal which is required for targeting the MC4R protein to the plasma membrane, and removal of that peptide results in cytoplasmic retention of the MC4R protein (Ho 1999). Haploinsufficiency of the MC4R gene is an established disease mechanism in MC4R-related obesity. In summary, although additional studies are required to fully establish its clinical significance, the p.Tyr302X variant is likely pathogenic. ACMG/AMP Criteria applied: PVS1_Moderate, PM2, PM1.

Literature cited by the submitters: PubMed 10585465.